The following is an entry in ClinVar:

ClinVar aggregate classification (germline): Likely benign (0 of 4 stars; one submission).

Conditions:
MARCHF10-related disorder. Also called: MARCHF10-related condition.

Allele frequency attached by ClinVar (database versions not stated): gnomAD exomes 0.00040; ExAC 0.00086; 1000 Genomes Project 0.00180; gnomAD 0.00202; 1000 Genomes Project 30x 0.00219; ESP Exome Variant Server 0.00246; TOPMed 0.00254.
gnomAD v4.1: 940 of 1,614,058 alleles (0.058%); highest among the groups gnomAD compares: African/African-American, 0.61%; 6 homozygotes.

Submission:

PreventionGenetics, part of Exact Sciences
Classification: Likely benign for MARCHF10-related condition. Last evaluated: 2019-03-15. Review status: no assertion criteria provided. Collection method: clinical testing. Allele origin: germline.
Comment: This variant is classified as likely benign based on ACMG/AMP sequence variant interpretation guidelines (Richards et al. 2015 PMID: 25741868, with internal and published modifications).

NM_152598.4(MARCHF10):c.2372-4C>T

Gene: MARCHF10 (membrane associated ring-CH-type finger 10; minus strand). Cytogenetic location: 17q23.2.
Variant type: single nucleotide variant.
Coding change: c.2372-4C>T on transcript NM_152598.4 (MANE Select); 4 bases into the intron before coding-DNA position 2372, C replaced by T.
Molecular consequence: intron variant.
Genome position (GRCh38, 1-based): chr17:62,701,762, G>A on the plus strand (C>T on the coding strand, the complement: MARCHF10 is on the minus strand). VCF-style: chr17-62701762-G-A. GRCh37 (hg19) VCF-style: chr17-60779123-G-A.
Other names: c.2486-4C>T (NM_001288779.2); c.2372-4C>T (NM_001100875.3).
Identifiers: ClinVar variation 3034070 (VCV003034070.2), dbSNP rs140049028, ClinGen allele CA8696536.